The following is an entry in ClinVar:

NM_000169.3(GLA):c.796G>T (p.Asp266Tyr)

Genes: GLA (galactosidase alpha; minus strand), RPL36A-HNRNPH2 (RPL36A-HNRNPH2 readthrough; plus strand). Cytogenetic location: Xq22.1.
Variant type: single nucleotide variant.
Coding change: c.796G>T on transcript NM_000169.3 (MANE Select); coding-DNA position 796, G replaced by T.
Protein change: p.Asp266Tyr; replaces aspartic acid 266 with tyrosine.
Molecular consequence: missense variant. On other transcripts: non-coding transcript variant (3), intron variant (2).
Genome position (GRCh38, 1-based): chrX:101,398,790, C>A on the plus strand (G>T on the coding strand, the complement: GLA is on the minus strand). VCF-style: chrX-101398790-C-A. GRCh37 (hg19) VCF-style: chrX-100653778-C-A.
Other names: c.919G>T, p.Asp307Tyr (NM_001406747.1); c.796G>T, p.Asp266Tyr (NM_001406748.1); c.300+3333C>A (NM_001199973.2); c.177+6968C>A (NM_001199974.2); short protein forms D266Y, D307Y.
Identifiers: ClinVar variation 4087518 (VCV004087518.2).

ClinVar aggregate classification (germline): Pathogenic (1 of 4 stars; one submission).

Conditions:
Fabry disease. Also called: ALPHA-GALACTOSIDASE A DEFICIENCY; ANDERSON-FABRY DISEASE; CERAMIDE TRIHEXOSIDASE DEFICIENCY; GLA DEFICIENCY; HEREDITARY DYSTOPIC LIPIDOSIS; Angiokeratoma corporis diffusum. Identifiers: Orphanet 324, MedGen C0002986, MONDO:0010526, OMIM 301500, HP:0001071. Disease mechanism: Fabry disease is due to inactivating mutations in the X-linked GLA gene resulting in deficiency of the enzyme Alpha Galactosidase-A., loss of function.

Submission:

Genomenon, Inc
Classification: Pathogenic for Fabry disease. Last evaluated: 2026-09-08. Review status: criteria provided, single submitter. Criteria: Genomenon Sequence Variant Interpretation Standards - Updated. Collection method: curation. Allele origin: germline. Affected: yes.
Comment: GLA p.Asp266Tyr (c.796G>T) is a missense variant that changes the amino acid at codon 266 from Aspartic acid to Tyrosine. This variant has been observed in at least one proband with clinical features consistent with Fabry disease (PMID:28728877;27773586;33807900;18849176;39980015). At least one functional study has demonstrated a substantial alteration in protein function relative to the wild-type (PMID:27657681). This variant is located in a mutational hotspot and/or important functional domain. It is absent or not present at a significant frequency in gnomAD. In silico models predict that this variant is possibly or probably damaging. In conclusion, we classify GLA p.Asp266Tyr (c.796G>T) as a pathogenic variant.

Literature cited by the submitters: PubMed 28728877; PubMed 27773586; PubMed 33807900; PubMed 18849176; PubMed 39980015; PubMed 27657681.